The following is an entry in ClinVar:

NC_000017.10:g.(?_40376777)_(40575115_?)dup

Genes: CAVIN1 (caveolae associated protein 1; minus strand), STAT3 (signal transducer and activator of transcription 3; minus strand), STAT5A (signal transducer and activator of transcription 5A; plus strand), STAT5B (signal transducer and activator of transcription 5B; minus strand). Cytogenetic location: 17q21.2.
Variant type: Duplication.
Identifiers: ClinVar variation 2425817 (VCV002425817.9).

ClinVar aggregate classification (germline): Uncertain significance. Review status: criteria provided, single submitter (1 of 4 stars). 2 submissions from 1 submitter: Uncertain significance (2). Last evaluated 2022-04-13.

Conditions:
Growth hormone insensitivity with immune dysregulation 1, autosomal recessive. Also called: GROWTH HORMONE INSENSITIVITY SYNDROME WITH IMMUNE DYSREGULATION 1, AUTOSOMAL RECESSIVE; GROWTH HORMONE INSENSITIVITY DUE TO POSTRECEPTOR DEFECT; LARON SYNDROME DUE TO POSTRECEPTOR DEFECT; Laron syndrome with immunodeficiency. Identifiers: Orphanet 220465, MedGen C5435698, MONDO:0100211, OMIM 245590.
Hyper-IgE recurrent infection syndrome 1, autosomal dominant. Also called: HYPER-IgE SYNDROME 1, AUTOSOMAL DOMINANT, WITH RECURRENT INFECTIONS; JOB SYNDROME; Job's Syndrome; STAT3 Hyper IgE Syndrome; Hyper-IgE recurrent infection syndrome 1. Identifiers: Orphanet 2314, MedGen C2936739, MONDO:0007818, OMIM 147060.
STAT3 gain of function. Identifiers: MedGen C4288261.

Submissions (2):

Labcorp Genetics (formerly Invitae), Labcorp
Classification: Uncertain significance for Growth hormone insensitivity with immune dysregulation 1, autosomal recessive. Last evaluated: 2022-04-13. Review status: criteria provided, single submitter. Criteria: Invitae Variant Classification Sherloc (09022015). Collection method: clinical testing. Allele origin: germline.
Comment: This variant results in a copy number gain of the genomic region encompassing exon(s) 1-4 of the STAT5B gene. This region includes the initiator codon of the gene. This copy number gain extends beyond the assayed region for this gene and therefore may encompass additional genes. As the precise location of this event is unknown, it may be in tandem or it may be located elsewhere in the genome. This variant has not been reported in the literature in individuals affected with STAT5B-related conditions. Experimental studies and prediction algorithms are not available or were not evaluated, and the functional significance of this variant is currently unknown. In summary, the available evidence is currently insufficient to determine the role of this variant in disease. Therefore, it has been classified as a Variant of Uncertain Significance.

Labcorp Genetics (formerly Invitae), Labcorp
Classification: Uncertain significance for STAT3 gain of function; Hyper-IgE recurrent infection syndrome 1, autosomal dominant. Last evaluated: 2022-04-13. Review status: criteria provided, single submitter. Criteria: Invitae Variant Classification Sherloc (09022015). Collection method: clinical testing. Allele origin: germline.
Comment: A copy number gain of the genomic region encompassing the full coding sequence of the STAT3 gene has been identified. The boundaries of this event are unknown as they extend beyond the assayed region for this gene and therefore may encompass additional genes. As the precise location of this event is unknown, it may be in tandem or it may be located elsewhere in the genome. This variant has not been reported in the literature in individuals affected with STAT3-related conditions. In summary, the available evidence is currently insufficient to determine the role of this variant in disease. Therefore, it has been classified as a Variant of Uncertain Significance.